The following is an entry in ClinVar:

NM_004533.4(MYBPC2):c.1995del (p.Asp665fs)

Gene: MYBPC2 (myosin binding protein C2; plus strand). Cytogenetic location: 19q13.33.
Variant type: Deletion.
Coding change: c.1995del on transcript NM_004533.4 (MANE Select); coding-DNA position 1995, one base deleted (T; older notation c.1995delT).
Protein change: p.Asp665fs; shifts the reading frame from aspartic acid 665.
Molecular consequence: frameshift variant.
Genome position (GRCh38, 1-based): chr19:50,454,350, T deleted. VCF-style (leftmost placement, unchanged base first): chr19-50454349-AT-A. GRCh37 (hg19) VCF-style: chr19-50957606-AT-A.
Other names: short protein forms D665fs.
Identifiers: ClinVar variation 3038469 (VCV003038469.2), dbSNP rs368059291, ClinGen allele CA9597916.
Genomic context (GRCh38, chr19:50,454,349, plus strand): 5'-TGCGCATCACCTCGGTTGGAGAGGATTGGGCCATCCTTGTCTGGGAGCCACCAATGTACG[AT>A]GGGGGGAAGCCAGTCACCGGTGAGTGCCTCTGTCCTCATGACCTCTGACCTTCCCTCTTT-3'

ClinVar aggregate classification (germline): Likely benign (0 of 4 stars; one submission).

Conditions:
MYBPC2-related disorder. Also called: MYBPC2-related condition.

Allele frequency attached by ClinVar (database versions not stated): gnomAD exomes 0.00042; ExAC 0.00137; 1000 Genomes Project 0.00379; 1000 Genomes Project 30x 0.00422; gnomAD 0.00471; TOPMed 0.00498; ESP Exome Variant Server 0.00531.

Submission:

PreventionGenetics, part of Exact Sciences
Classification: Likely benign for MYBPC2-related condition. Last evaluated: 2022-02-18. Review status: no assertion criteria provided. Collection method: clinical testing. Allele origin: germline.
Comment: This variant is classified as likely benign based on ACMG/AMP sequence variant interpretation guidelines (Richards et al. 2015 PMID: 25741868, with internal and published modifications).